The following is an entry in ClinVar:

NM_002230.4(JUP):c.1730G>T (p.Arg577Leu)

Gene: JUP (junction plakoglobin; minus strand). Cytogenetic location: 17q21.2.
Variant type: single nucleotide variant.
Coding change: c.1730G>T on transcript NM_002230.4 (MANE Select); coding-DNA position 1730, G replaced by T.
Protein change: p.Arg577Leu; replaces arginine 577 with leucine.
Molecular consequence: missense variant.
Genome position (GRCh38, 1-based): chr17:41,758,442, C>A on the plus strand (G>T on the coding strand, the complement: JUP is on the minus strand). VCF-style: chr17-41758442-C-A. GRCh37 (hg19) VCF-style: chr17-39914694-C-A.
Other names: c.1730G>T, p.Arg577Leu (NM_001352773.2, NM_001352774.2, NM_001352775.2 and 3 more transcripts); short protein forms R577L.
Identifiers: ClinVar variation 496450 (VCV000496450.2), dbSNP rs373434456, ClinGen allele CA399492914.

ClinVar aggregate classification (germline): Uncertain significance (1 of 4 stars; one submission).

Submission:

Women's Health and Genetics/Laboratory Corporation of America, LabCorp
Classification: Uncertain significance. Last evaluated: 2019-01-28. Review status: criteria provided, single submitter. Criteria: LabCorp Variant Classification Summary - May 2015. Collection method: clinical testing. Allele origin: germline.
Comment: Variant summary: JUP c.1730G>T (p.Arg577Leu) results in a non-conservative amino acid change located in the Armadillo repeat region of the encoded protein sequence. Four of five in-silico tools predict a damaging effect of the variant on protein function. The variant was absent in 246140 control chromosomes (gnomAD). The available data on variant occurrences in the general population are insufficient to allow any conclusion about variant significance. To our knowledge, no occurrence of c.1730G>T in individuals affected with Cardiomyopathy and no experimental evidence demonstrating its impact on protein function have been reported. No clinical diagnostic laboratories have submitted clinical-significance assessments for this variant to ClinVar after 2014. Based on the evidence outlined above, the variant was classified as uncertain significance.